The following is an entry in ClinVar:

ClinVar aggregate classification (germline): Uncertain significance. Review status: criteria provided, multiple submitters, no conflicts (2 of 4 stars). 2 submissions from 2 submitters: Uncertain significance (2). Last evaluated 2025-05-20.

Conditions:
Cardiovascular phenotype. Identifiers: MedGen CN230736.

Allele frequency attached by ClinVar (database versions not stated): gnomAD 0.00001.
gnomAD v4.1: 4 of 1,613,182 alleles (0.00025%); highest among the groups gnomAD compares: African/African-American, 0.0027%; no homozygotes.

Submissions (2):

GeneDx
Classification: Uncertain significance. Last evaluated: 2025-05-20. Review status: criteria provided, single submitter. Criteria: GeneDx Variant Classification Process June 2021. Collection method: clinical testing. Allele origin: germline. Affected: yes.
Comment: Not observed at significant frequency in large population cohorts (gnomAD); Missense variant in a gene in which most reported pathogenic variants are truncating/loss of function; Has not been previously published as pathogenic or benign to our knowledge

Ambry Genetics
Classification: Uncertain significance for Cardiovascular phenotype. Last evaluated: 2019-12-04. Review status: criteria provided, single submitter. Criteria: Ambry Variant Classification Scheme 2023. Collection method: clinical testing. Allele origin: germline.
Comment: The p.T10964N variant (also known as c.32891C>A), located in coding exon 130 of the TTN gene, results from a C to A substitution at nucleotide position 32891. The threonine at codon 10964 is replaced by asparagine, an amino acid with similar properties. This amino acid position is highly conserved in available vertebrate species. In addition, this alteration is predicted to be tolerated by in silico analysis. Since supporting evidence is limited at this time, the clinical significance of this alteration remains unclear.

NM_001267550.2(TTN):c.60086C>A (p.Thr20029Asn)

Genes: TTN-AS1 (TTN antisense RNA 1; plus strand), TTN (titin; minus strand), LOC126806424 (CDK7 strongly-dependent group 2 enhancer GRCh37_chr2:179456337-179457536; plus strand). Cytogenetic location: 2q31.2.
Variant type: single nucleotide variant.
Coding change: c.60086C>A on transcript NM_001267550.2 (MANE Select); coding-DNA position 60086, C replaced by A.
Protein change: p.Thr20029Asn; replaces threonine 20029 with asparagine.
Molecular consequence: missense variant.
Genome position (GRCh38, 1-based): chr2:178,591,733, G>T on the plus strand (C>A on the coding strand, the complement: TTN is on the minus strand). VCF-style: chr2-178591733-G-T. GRCh37 (hg19) VCF-style: chr2-179456460-G-T.
Other names: c.55163C>A, p.Thr18388Asn (NM_001256850.1); c.32891C>A, p.Thr10964Asn (NM_003319.4); c.52382C>A, p.Thr17461Asn (NM_133378.4); c.33266C>A, p.Thr11089Asn (NM_133432.3); c.33467C>A, p.Thr11156Asn (NM_133437.4); short protein forms T11156N, T18388N, T17461N, T20029N, T10964N, T11089N.
Identifiers: ClinVar variation 1729807 (VCV001729807.3), dbSNP rs2050252504, ClinGen allele CA349487341.
Genomic context (GRCh38, chr2:178,591,733, plus strand): 5'-CGGAATCTATAGGTCTTTCCTTGTTGTAGTCCAGTAACCACACACTCTAAGTTTGTCACA[G>T]TCTTAAATTTAATCCAGTCCTGGGTGCCTTCTTCTTGATATTCTACCAAATATCCAGTGA-3'
Protein context (NP_001254479.2, residues 20019-20039): EGTQDWIKFK[Thr20029Asn]VTNLECVVTG